The following is an entry in ClinVar:

NM_001243133.2(NLRP3):c.379A>G (p.Ile127Val)

Gene: NLRP3 (NLR family pyrin domain containing 3; plus strand). Cytogenetic location: 1q44.
Variant type: single nucleotide variant.
Coding change: c.379A>G on transcript NM_001243133.2 (MANE Select); coding-DNA position 379, A replaced by G.
Protein change: p.Ile127Val; replaces isoleucine 127 with valine.
Molecular consequence: missense variant.
Genome position (GRCh38, 1-based): chr1:247,423,331, A>G. VCF-style: chr1-247423331-A-G. GRCh37 (hg19) VCF-style: chr1-247586633-A-G.
Other names: p.Ile129Val; c.379A>G, p.Ile127Val (NM_001079821.3, NM_001127461.3, NM_001127462.3 and 1 more transcripts); c.385A>G, p.Ile129Val (NM_004895.5); short protein forms I127V, I129V.
Identifiers: ClinVar variation 1879125 (VCV001879125.33), dbSNP rs2527246078, ClinGen allele CA345554514.

ClinVar aggregate classification (germline): Uncertain significance. Review status: criteria provided, multiple submitters, no conflicts (2 of 4 stars). 3 submissions from 3 submitters: Uncertain significance (3). Last evaluated 2024-06-19.

Conditions:
Cryopyrin associated periodic syndrome (CAPS). Identifiers: Orphanet 208650, MedGen C2316212, MONDO:0016168.

Allele frequency attached by ClinVar (database versions not stated): gnomAD exomes below 0.00001.
gnomAD v4.1: 2 of 1,462,880 alleles (0.00014%); highest among the groups gnomAD compares: Non-Finnish European, 0.00019%; no homozygotes.

Submissions (3):

Mayo Clinic Laboratories, Mayo Clinic
Classification: Uncertain significance. Last evaluated: 2024-06-19. Review status: criteria provided, single submitter. Criteria: ACMG Guidelines, 2015. Collection method: clinical testing. Allele origin: germline. Observed: 1 variant allele.
Comment: BP4, PM2

Labcorp Genetics (formerly Invitae), Labcorp
Classification: Uncertain significance for Cryopyrin associated periodic syndrome. Last evaluated: 2023-06-25. Review status: criteria provided, single submitter. Criteria: Invitae Variant Classification Sherloc (09022015). Collection method: clinical testing. Allele origin: germline.
Comment: This variant has not been reported in the literature in individuals affected with NLRP3-related conditions. This variant is not present in population databases (gnomAD no frequency). ClinVar contains an entry for this variant (Variation ID: 1879125). Advanced modeling of protein sequence and biophysical properties (such as structural, functional, and spatial information, amino acid conservation, physicochemical variation, residue mobility, and thermodynamic stability) performed at Invitae indicates that this missense variant is not expected to disrupt NLRP3 protein function. In summary, the available evidence is currently insufficient to determine the role of this variant in disease. Therefore, it has been classified as a Variant of Uncertain Significance. This sequence change replaces isoleucine, which is neutral and non-polar, with valine, which is neutral and non-polar, at codon 129 of the NLRP3 protein (p.Ile129Val).

CeGaT Center for Human Genetics Tuebingen
Classification: Uncertain significance. Last evaluated: 2022-10-01. Review status: criteria provided, single submitter. Criteria: CeGaT Center For Human Genetics Tuebingen Variant Classification Criteria Version 2. Collection method: clinical testing. Allele origin: germline. Affected: yes. Observed: 1 variant allele.
Comment: NLRP3: PM2, BP4